The following is an entry in ClinVar:

ClinVar aggregate classification (germline): Uncertain significance (1 of 4 stars; one submission).

gnomAD v4.1: 2 of 1,612,852 alleles (0.00012%); highest among the groups gnomAD compares: Non-Finnish European, 0.00017%; no homozygotes.

Submission:

Ambry Genetics
Classification: Uncertain significance. Last evaluated: 2024-05-19. Review status: criteria provided, single submitter. Criteria: Ambry Variant Classification Scheme 2023. Collection method: clinical testing. Allele origin: germline.
Comment: The p.V450M variant (also known as c.1348G>A), located in coding exon 9 of the POLQ gene, results from a G to A substitution at nucleotide position 1348. The valine at codon 450 is replaced by methionine, an amino acid with highly similar properties. This amino acid position is conserved. In addition, this alteration is predicted to be deleterious by in silico analysis. Based on the available evidence, the clinical significance of this variant remains unclear.

NM_199420.4(POLQ):c.1348G>A (p.Val450Met)

Gene: POLQ (DNA polymerase theta; minus strand). Cytogenetic location: 3q13.33.
Variant type: single nucleotide variant.
Coding change: c.1348G>A on transcript NM_199420.4 (MANE Select); coding-DNA position 1348, G replaced by A.
Protein change: p.Val450Met; replaces valine 450 with methionine.
Molecular consequence: missense variant.
Genome position (GRCh38, 1-based): chr3:121,519,991, C>T on the plus strand (G>A on the coding strand, the complement: POLQ is on the minus strand). VCF-style: chr3-121519991-C-T. GRCh37 (hg19) VCF-style: chr3-121238838-C-T.
Other names: short protein forms V450M.
Identifiers: ClinVar variation 3308525 (VCV003308525.1).